The following is an entry in ClinVar:

NM_001754.5(RUNX1):c.334C>G (p.Leu112Val)

Gene: RUNX1 (RUNX family transcription factor 1; minus strand). Cytogenetic location: 21q22.12.
Variant type: single nucleotide variant.
Coding change: c.334C>G on transcript NM_001754.5 (MANE Select); coding-DNA position 334, C replaced by G.
Protein change: p.Leu112Val; replaces leucine 112 with valine.
Molecular consequence: missense variant.
Genome position (GRCh38, 1-based): chr21:34,886,860, G>C on the plus strand (C>G on the coding strand, the complement: RUNX1 is on the minus strand). VCF-style: chr21-34886860-G-C. GRCh37 (hg19) VCF-style: chr21-36259157-G-C.
Other names: NM_001754.5(RUNX1):c.334C>G; p.Leu112Val; c.253C>G, p.Leu85Val (NM_001001890.3, NM_001122607.2); short protein forms L85V, L112V.
Identifiers: ClinVar variation 3791492 (VCV003791492.1).

ClinVar aggregate classification (germline): Uncertain significance. Review status: reviewed by expert panel (3 of 4 stars). 2 submissions from 2 submitters: Uncertain significance (1). 1 of the submissions does not count toward it. Last evaluated 2025-07-11.

Conditions:
Hereditary thrombocytopenia and hematologic cancer predisposition syndrome. Identifiers: Orphanet 71290, MedGen CN281654, MONDO:0011071.
Inborn genetic diseases. Identifiers: MedGen C0950123, MeSH D030342.

Submissions (2):

ClinGen Myeloid Malignancy Variant Curation Expert Panel
Classification: Uncertain significance for Hereditary thrombocytopenia and hematologic cancer predisposition syndrome. Last evaluated: 2025-07-11. Review status: reviewed by expert panel. Criteria: ClinGen MyeloMalig ACMG Specifications v2. Collection method: curation. Allele origin: germline. Inheritance: Autosomal dominant inheritance.
Comment: NM_001754.5(RUNX1):c.334C>G (p.Leu112Val) is a missense variant which is located within the Runt Homology Domain (AA 89-204), but does not occur in an established hotspot residue (PM1_supporting). This variant is completely absent from all population databases with at least 20x coverage for RUNX1 (PM2_supporting). This missense variant has a REVEL score ≥ 0.88 (0.89) (PP3). In summary, the clinical significance of this variant is uncertain. ACMG/AMP criteria applied, as specified by the Myeloid Malignancy Variant Curation Expert Panel for RUNX1: PM2_supporting, PM1_supporting, PP3.

Ambry Genetics
Classification: Uncertain significance for Inborn genetic diseases. Last evaluated: 2025-02-13. Review status: criteria provided, single submitter. Criteria: Ambry Variant Classification Scheme 2023. Collection method: clinical testing. Allele origin: germline. Not counted in ClinVar's aggregate classification.
Comment: The p.L112V variant (also known as c.334C>G), located in coding exon 3 of the RUNX1 gene, results from a C to G substitution at nucleotide position 334. The leucine at codon 112 is replaced by valine, an amino acid with highly similar properties. This amino acid position is highly conserved in available vertebrate species. In addition, this alteration is predicted to be deleterious by in silico analysis. Based on the available evidence, the clinical significance of this variant remains unclear.